The following is an entry in ClinVar:

NM_007294.4(BRCA1):c.4555A>G (p.Asn1519Asp)

Gene: BRCA1 (BRCA1 DNA repair associated; minus strand). Cytogenetic location: 17q21.31.
Variant type: single nucleotide variant.
Coding change: c.4555A>G on transcript NM_007294.4 (MANE Select); coding-DNA position 4555, A replaced by G.
Protein change: p.Asn1519Asp; replaces asparagine 1519 with aspartic acid.
Molecular consequence: missense variant. On other transcripts: non-coding transcript variant (1).
Genome position (GRCh38, 1-based): chr17:43,074,451, T>C on the plus strand (A>G on the coding strand, the complement: BRCA1 is on the minus strand). VCF-style: chr17-43074451-T-C. GRCh37 (hg19) VCF-style: chr17-41226468-T-C.
Other names: c.4408A>G, p.Asn1470Asp (NM_001407848.1, NM_001407849.1, NM_001407850.1 and 12 more transcripts); c.4555A>G, p.Asn1519Asp (NM_001407854.1, NM_001407593.1, NM_001407594.1 and 8 more transcripts); c.4552A>G, p.Asn1518Asp (NM_001407858.1, NM_001407618.1, NM_001407619.1 and 17 more transcripts); c.4345A>G, p.Asn1449Asp (NM_001407884.1, NM_001407885.1, NM_001407886.1 and 5 more transcripts); c.4342A>G, p.Asn1448Asp (NM_001407894.1, NM_001407895.1, NM_001407896.1 and 12 more transcripts); c.4339A>G, p.Asn1447Asp (NM_001407915.1, NM_001407916.1, NM_001407917.1 and 1 more transcripts); c.4432A>G, p.Asn1478Asp (NM_001407919.1, NM_001407937.1, NM_001407938.1 and 6 more transcripts); c.4291A>G, p.Asn1431Asp (NM_001407920.1, NM_001407921.1, NM_001407922.1 and 4 more transcripts); and 68 more; short protein forms N1519D, N1472D, N1540D, N415D, N1429D, N1430D, N1447D, N1450D.
Identifiers: ClinVar variation 571121 (VCV000571121.11), dbSNP rs1567778111, ClinGen allele CA10592407.
Genomic context (GRCh38, chr17:43,074,451, plus strand): 5'-GCTGTTGCTCCTCCACATCAACAACCTTAATGAGCTCCTCTTGAGATGGGTAGTTTCTAT[T>C]CTGAAGACTCCCAGAGCAACTGTGCATGTACCACCTATCATCTAATGATGGGCATTTAGA-3'
Protein context (NP_009225.1, residues 1509-1529): YMHSCSGSLQ[Asn1519Asp]RNYPSQEELI

ClinVar aggregate classification (germline): Uncertain significance. Review status: criteria provided, multiple submitters, no conflicts (2 of 4 stars). 2 submissions from 2 submitters: Uncertain significance (2). Last evaluated 2024-03-15.

Conditions:
Breast-ovarian cancer, familial, susceptibility to, 1 (BROVCA1). Also called: BRCA1 Hereditary Breast and Ovarian Cancer; OVARIAN CANCER, SUSCEPTIBILITY TO. Identifiers: Orphanet 145, MedGen C2676676, MONDO:0011450, OMIM 604370. Disease mechanism: loss of function.
Hereditary breast ovarian cancer syndrome. Also called: Hereditary breast and ovarian cancer; Hereditary breast and ovarian cancer syndrome; Hereditary breast and ovarian cancer syndrome (HBOC); Breast and ovarian cancer; BRCA1- and BRCA2-Associated Hereditary Breast and Ovarian Cancer; Hereditary breast and/or ovarian cancer syndrome. Identifiers: Orphanet 145, MedGen C0677776, MeSH D061325, MONDO:0003582. Disease mechanism: loss of function.

Submissions (2):

Baylor Genetics
Classification: Uncertain significance for Breast-ovarian cancer, familial, susceptibility to, 1. Last evaluated: 2024-03-15. Review status: criteria provided, single submitter. Criteria: ACMG Guidelines, 2015. Collection method: clinical testing. Allele origin: unknown.

Labcorp Genetics (formerly Invitae), Labcorp
Classification: Uncertain significance for Hereditary breast ovarian cancer syndrome. Last evaluated: 2018-04-22. Review status: criteria provided, single submitter. Criteria: Invitae Variant Classification Sherloc (09022015). Collection method: clinical testing. Allele origin: germline.
Comment: In summary, the available evidence is currently insufficient to determine the role of this variant in disease. Therefore, it has been classified as a Variant of Uncertain Significance. Algorithms developed to predict the effect of missense changes on protein structure and function output the following: SIFT: "Tolerated"; PolyPhen-2: "Benign"; Align-GVGD: "Class C0". The aspartic acid amino acid residue is found in multiple mammalian species, suggesting that this missense change does not adversely affect protein function. These predictions have not been confirmed by published functional studies and their clinical significance is uncertain. This variant has not been reported in the literature in individuals with BRCA1-related disease. This variant is not present in population databases (ExAC no frequency). This sequence change replaces asparagine with aspartic acid at codon 1519 of the BRCA1 protein (p.Asn1519Asp). The asparagine residue is weakly conserved and there is a small physicochemical difference between asparagine and aspartic acid.